The following is an entry in ClinVar:

NM_001430.5(EPAS1):c.1433G>A (p.Ser478Asn)

Gene: EPAS1 (endothelial PAS domain protein 1; plus strand). Cytogenetic location: 2p21.
Variant type: single nucleotide variant.
Coding change: c.1433G>A on transcript NM_001430.5 (MANE Select); coding-DNA position 1433, G replaced by A.
Protein change: p.Ser478Asn; replaces serine 478 with asparagine.
Molecular consequence: missense variant.
Genome position (GRCh38, 1-based): chr2:46,378,077, G>A. VCF-style: chr2-46378077-G-A. GRCh37 (hg19) VCF-style: chr2-46605216-G-A.
Other names: short protein forms S478N.
Identifiers: ClinVar variation 1772556 (VCV001772556.2), dbSNP rs2103667841, ClinGen allele CA346704074.
Genomic context (GRCh38, chr2:46,378,077, plus strand): 5'-CCGTGCCCCAGGCAGCTGCCCCGGGCAGCACCACCCCCAGTGCCACCAGCAGCAGCAGCA[G>A]CTGCTCCACGGTGAGCAGCCCTCTTATGGCGAGGACACAGAGAGGGCTCCGTATGTATGA-3'
Protein context (NP_001421.2, residues 468-488): TTPSATSSSS[Ser478Asn]CSTPNSPEDY

ClinVar aggregate classification (germline): Uncertain significance (1 of 4 stars; one submission).

Conditions:
Inborn genetic diseases. Identifiers: MedGen C0950123, MeSH D030342.

Submission:

Ambry Genetics
Classification: Uncertain significance for Inborn genetic diseases. Last evaluated: 2022-09-18. Review status: criteria provided, single submitter. Criteria: Ambry Variant Classification Scheme 2023. Collection method: clinical testing. Allele origin: germline.
Comment: The p.S478N variant (also known as c.1433G>A), located in coding exon 10 of the EPAS1 gene, results from a G to A substitution at nucleotide position 1433. The serine at codon 478 is replaced by asparagine, an amino acid with highly similar properties. This amino acid position is conserved. In addition, this alteration is predicted to be tolerated by in silico analysis. Since supporting evidence is limited at this time, the clinical significance of this alteration remains unclear.